The following is an entry in ClinVar:

NM_000245.4(MET):c.1753G>A (p.Gly585Ser)

Gene: MET (MET proto-oncogene, receptor tyrosine kinase; plus strand). Cytogenetic location: 7q31.2.
Variant type: single nucleotide variant.
Coding change: c.1753G>A on transcript NM_000245.4 (MANE Select); coding-DNA position 1753, G replaced by A.
Protein change: p.Gly585Ser; replaces glycine 585 with serine.
Molecular consequence: missense variant.
Genome position (GRCh38, 1-based): chr7:116,755,406, G>A. VCF-style: chr7-116755406-G-A. GRCh37 (hg19) VCF-style: chr7-116395460-G-A.
Other names: c.1753G>A, p.Gly585Ser (NM_001127500.3, NM_001324401.3); c.463G>A, p.Gly155Ser (NM_001324402.2); short protein forms G585S, G155S.
Identifiers: ClinVar variation 3666317 (VCV003666317.2).
Genomic context (GRCh38, chr7:116,755,406, plus strand): 5'-TCCTTGTAGGTTTTCCCAAATAGTGCACCCCTTGAAGGAGGGACAAGGCTGACCATATGT[G>A]GCTGGGACTTTGGATTTCGGAGGAATAATAAATTTGATTTAAAGAAAACTAGAGTTCTCC-3'
Protein context (NP_000236.2, residues 575-595): LEGGTRLTIC[Gly585Ser]WDFGFRRNNK

ClinVar aggregate classification (germline): Uncertain significance (1 of 4 stars; one submission).

Conditions:
Renal cell carcinoma. Identifiers: Orphanet 217071, MedGen C0007134, MeSH D002292, MONDO:0005086, HP:0005584.

Submission:

Labcorp Genetics (formerly Invitae), Labcorp
Classification: Uncertain significance for Renal cell carcinoma. Last evaluated: 2024-12-16. Review status: criteria provided, single submitter. Criteria: Invitae Variant Classification Sherloc (09022015). Collection method: clinical testing. Allele origin: germline.
Comment: This sequence change replaces glycine, which is neutral and non-polar, with serine, which is neutral and polar, at codon 585 of the MET protein (p.Gly585Ser). This variant is not present in population databases (gnomAD no frequency). This variant has not been reported in the literature in individuals affected with MET-related conditions. Invitae Evidence Modeling of protein sequence and biophysical properties (such as structural, functional, and spatial information, amino acid conservation, physicochemical variation, residue mobility, and thermodynamic stability) indicates that this missense variant is expected to disrupt MET protein function with a positive predictive value of 80%. In summary, the available evidence is currently insufficient to determine the role of this variant in disease. Therefore, it has been classified as a Variant of Uncertain Significance.